The following is an entry in ClinVar:

ClinVar aggregate classification (germline): Benign/Likely benign. Review status: criteria provided, multiple submitters, no conflicts (2 of 4 stars). 5 submissions from 5 submitters: Benign (1); Likely benign (3). 1 of the submissions does not count toward it. Last evaluated 2026-01-28.

Conditions:
Frontometaphyseal dysplasia (FMD1). Identifiers: Orphanet 1826, MedGen C0265293, MONDO:0015942.
Melnick-Needles syndrome (MNS). Also called: MELNICK-NEEDLES OSTEODYSPLASTY; OSTEODYSPLASTY OF MELNICK AND NEEDLES; Melnick-Needles Syndrome (FLNA-MNS). Identifiers: Orphanet 2484, MedGen C0025237, MONDO:0010650, OMIM 309350.
Oto-palato-digital syndrome, type II (OPD2). Also called: FACIOPALATOOSSEOUS SYNDROME; Otopalatodigital Syndrome, Type II; OPD II SYNDROME; Otopalatodigital Syndrome Type 2 (FLNA-OPD2). Identifiers: Orphanet 669, Orphanet 90652, MedGen C1844696, MONDO:0010571, OMIM 304120.
Heterotopia, periventricular, X-linked dominant (PVNH1). Also called: PERIVENTRICULAR NODULAR HETEROTOPIA 1; PERIVENTRICULAR NODULAR HETEROTOPIA 4; HETEROTOPIA, PERIVENTRICULAR, 1; X-linked periventricular heterotopia. Identifiers: Orphanet 2149, Orphanet 82004, MedGen C1848213, MONDO:0010233, OMIM 300049.
FLNA-related disorder.
Familial thoracic aortic aneurysm and aortic dissection (TAAD). Also called: Thoracic aortic aneurysms and dissections. Identifiers: Orphanet 91387, MedGen C4707243, MONDO:0019625.

Allele frequency attached by ClinVar (database versions not stated): TOPMed 0.00006; gnomAD exomes 0.00017 and 0.00037; ExAC 0.00027; gnomAD 0.00031 and 0.00036.
gnomAD v4.1: 225 of 1,210,092 alleles (0.019%); highest among the groups gnomAD compares: African/African-American, 0.007%; 1 homozygote.

Submissions (5):

Labcorp Genetics (formerly Invitae), Labcorp
Classification: Benign for Oto-palato-digital syndrome, type II; Heterotopia, periventricular, X-linked dominant; Frontometaphyseal dysplasia; Melnick-Needles syndrome. Last evaluated: 2026-01-28. Review status: criteria provided, single submitter. Criteria: Invitae Variant Classification Sherloc (09022015). Collection method: clinical testing. Allele origin: germline.

Blueprint Genetics
Classification: Likely benign. Last evaluated: 2024-10-15. Review status: criteria provided, single submitter. Criteria: ACMG Guidelines, 2015. Collection method: clinical testing. Allele origin: germline.

GeneDx
Classification: Likely benign. Last evaluated: 2021-10-26. Review status: criteria provided, single submitter. Criteria: GeneDx Variant Classification Process June 2021. Collection method: clinical testing. Allele origin: germline. Affected: yes.

Ambry Genetics
Classification: Likely benign for Familial thoracic aortic aneurysm and aortic dissection. Last evaluated: 2020-04-13. Review status: criteria provided, single submitter. Criteria: Ambry Variant Classification Scheme 2023. Collection method: clinical testing. Allele origin: germline.

PreventionGenetics, part of Exact Sciences
Classification: Likely benign for FLNA-related condition. Last evaluated: 2022-02-15. Review status: no assertion criteria provided. Collection method: clinical testing. Allele origin: germline. Not counted in ClinVar's aggregate classification.
Comment: This variant is classified as likely benign based on ACMG/AMP sequence variant interpretation guidelines (Richards et al. 2015 PMID: 25741868, with internal and published modifications).

NM_001110556.2(FLNA):c.6870C>T (p.Asp2290=)

Gene: FLNA (filamin A; minus strand). Cytogenetic location: Xq28.
Variant type: single nucleotide variant.
Coding change: c.6870C>T on transcript NM_001110556.2 (MANE Select); coding-DNA position 6870, C replaced by T.
Protein change: p.Asp2290=; no amino-acid change (aspartic acid 2290 retained).
Molecular consequence: synonymous variant.
Genome position (GRCh38, 1-based): chrX:154,351,921, G>A on the plus strand (C>T on the coding strand, the complement: FLNA is on the minus strand). VCF-style: chrX-154351921-G-A. GRCh37 (hg19) VCF-style: chrX-153580289-G-A.
Other names: c.6846C>T, p.Asp2282= (NM_001456.4); c.6870C>T (NM_001110556.1).
Identifiers: ClinVar variation 379175 (VCV000379175.21), dbSNP rs782651736, ClinGen allele CA10560020.